The following is an entry in ClinVar:

ClinVar aggregate classification (germline): Uncertain significance. Review status: criteria provided, multiple submitters, no conflicts (2 of 4 stars). 2 submissions from 2 submitters: Uncertain significance (2). Last evaluated 2025-09-17.

Conditions:
Aortic aneurysm, familial thoracic 7 (AAT7). Also called: AORTIC DISSECTION, FAMILIAL, WITH OR WITHOUT AORTIC ANEURYSM. Identifiers: MedGen C3151077, MONDO:0013418, OMIM 613780.
Familial thoracic aortic aneurysm and aortic dissection (TAAD). Also called: Thoracic aortic aneurysms and dissections. Identifiers: Orphanet 91387, MedGen C4707243, MONDO:0019625.

Allele frequency attached by ClinVar (database versions not stated): gnomAD exomes below 0.00001.
gnomAD v4.1: 4 of 1,614,140 alleles (0.00025%); highest among the groups gnomAD compares: East Asian, 0.0022%; no homozygotes.

Submissions (2):

Ambry Genetics
Classification: Uncertain significance for Familial thoracic aortic aneurysm and aortic dissection. Last evaluated: 2025-09-17. Review status: criteria provided, single submitter. Criteria: Ambry Variant Classification Scheme 2023. Collection method: clinical testing. Allele origin: germline.
Comment: The p.R1403H variant (also known as c.4208G>A), located in coding exon 21 of the MYLK gene, results from a G to A substitution at nucleotide position 4208. The arginine at codon 1403 is replaced by histidine, an amino acid with highly similar properties. This amino acid position is conserved. In addition, this alteration is predicted to be deleterious by in silico analysis. Based on the available evidence, the clinical significance of this variant remains unclear.

Labcorp Genetics (formerly Invitae), Labcorp
Classification: Uncertain significance for Aortic aneurysm, familial thoracic 7. Last evaluated: 2021-09-01. Review status: criteria provided, single submitter. Criteria: Invitae Variant Classification Sherloc (09022015). Collection method: clinical testing. Allele origin: germline.
Comment: This sequence change replaces arginine with histidine at codon 1403 of the MYLK protein (p.Arg1403His). The arginine residue is highly conserved and there is a small physicochemical difference between arginine and histidine. This variant is not present in population databases (ExAC no frequency). This variant has not been reported in the literature in individuals affected with MYLK-related conditions. Algorithms developed to predict the effect of missense changes on protein structure and function (SIFT, PolyPhen-2, Align-GVGD) all suggest that this variant is likely to be disruptive. In summary, the available evidence is currently insufficient to determine the role of this variant in disease. Therefore, it has been classified as a Variant of Uncertain Significance.

NM_053025.4(MYLK):c.4208G>A (p.Arg1403His)

Gene: MYLK (myosin light chain kinase; minus strand). Cytogenetic location: 3q21.1.
Variant type: single nucleotide variant.
Coding change: c.4208G>A on transcript NM_053025.4 (MANE Select); coding-DNA position 4208, G replaced by A.
Protein change: p.Arg1403His; replaces arginine 1403 with histidine.
Molecular consequence: missense variant.
Genome position (GRCh38, 1-based): chr3:123,657,206, C>T on the plus strand (G>A on the coding strand, the complement: MYLK is on the minus strand). VCF-style: chr3-123657206-C-T. GRCh37 (hg19) VCF-style: chr3-123376053-C-T.
Other names: c.3680G>A, p.Arg1227His (NM_001321309.2); c.4001G>A, p.Arg1334His (NM_053026.4, NM_053028.4); c.4208G>A, p.Arg1403His (NM_053027.4); short protein forms R1227H, R1334H, R1403H.
Identifiers: ClinVar variation 641305 (VCV000641305.9), dbSNP rs1286895921, ClinGen allele CA354227895.
Genomic context (GRCh38, chr3:123,657,206, plus strand): 5'-GTTGTGAGTTCAGACTCCTGGCTTGGCTCACTGGTTCCATACACGTTGATTGCACGTACA[C>T]GGAACTTATATTCGTGGTCAGGCAGCAGGTCCTGGACGTTGAAAGAGGTGCTGCGGCATG-3'
Protein context (NP_444253.3, residues 1393-1413): DLLPDHEYKF[Arg1403His]VRAINVYGTS